The following is an entry in ClinVar:

NM_001367624.2(ZNF469):c.10437G>A (p.Met3479Ile)

Gene: ZNF469 (zinc finger protein 469; plus strand). Cytogenetic location: 16q24.2.
Variant type: single nucleotide variant.
Coding change: c.10437G>A on transcript NM_001367624.2 (MANE Select); coding-DNA position 10437, G replaced by A.
Protein change: p.Met3479Ile; replaces methionine 3479 with isoleucine.
Molecular consequence: missense variant.
Genome position (GRCh38, 1-based): chr16:88,437,907, G>A. VCF-style: chr16-88437907-G-A. GRCh37 (hg19) VCF-style: chr16-88504315-G-A.
Other names: NM_001127464.1:c.10353G>A; NM_001127464.2:c.10353G>A; short protein forms M3479I.
Identifiers: ClinVar variation 1772180 (VCV001772180.7), dbSNP rs534158007, ClinGen allele CA8225512.
Genomic context (GRCh38, chr16:88,437,907, plus strand): 5'-GGGACAGAAGGCCCGGGCCCTCGAGGGCACACTGCCCAGCAAACGGCGCAGGGTGGCCAT[G>A]CCCGGCAGTGCCCCTGGGCCCGGCGAGGACAGGCCTCCTCCCCGGGGAAGCAGCCCCATC-3'
Protein context (NP_001354553.1, residues 3469-3489): TLPSKRRRVA[Met3479Ile]PGSAPGPGED

ClinVar aggregate classification (germline): Conflicting classifications of pathogenicity. Review status: criteria provided, conflicting classifications (1 of 4 stars). 3 submissions from 3 submitters: Uncertain significance (2); Benign (1). Last evaluated 2026-04-28.

Conditions:
Cardiovascular phenotype. Identifiers: MedGen CN230736.
ZNF469-related disorder. Also called: ZNF469-related condition.

Allele frequency attached by ClinVar (database versions not stated): gnomAD exomes 0.00003; ExAC 0.00008; gnomAD 0.00023; TOPMed 0.00024; 1000 Genomes Project 30x 0.00078; 1000 Genomes Project 0.00080.
gnomAD v4.1: 74 of 1,539,696 alleles (0.0048%); highest among the groups gnomAD compares: African/African-American, 0.078%; no homozygotes.

Submissions (3):

PreventionGenetics, part of Exact Sciences
Classification: Uncertain significance for ZNF469-related condition. Last evaluated: 2026-04-28. Review status: criteria provided, single submitter. Criteria: ACMG Guidelines, 2015. Collection method: clinical testing. Allele origin: germline.
Comment: The ZNF469 c.10353G>A variant is predicted to result in the amino acid substitution p.Met3451Ile. To our knowledge, this variant has not been reported in the literature. This variant is reported in 0.070% of alleles in individuals of African descent in gnomAD. Although we suspect, that this variant may be benign, at this time, the clinical significance of this variant is uncertain due to the absence of conclusive functional and genetic evidence.

Labcorp Genetics (formerly Invitae), Labcorp
Classification: Uncertain significance. Last evaluated: 2025-10-01. Review status: criteria provided, single submitter. Criteria: Invitae Variant Classification Sherloc (09022015). Collection method: clinical testing. Allele origin: germline.
Comment: This sequence change replaces methionine, which is neutral and non-polar, with isoleucine, which is neutral and non-polar, at codon 3451 of the ZNF469 protein (p.Met3451Ile). This variant is present in population databases (rs534158007, gnomAD 0.08%). This variant has not been reported in the literature in individuals affected with ZNF469-related conditions. ClinVar contains an entry for this variant (Variation ID: 1772180). An algorithm developed to predict the effect of missense changes on protein structure and function (PolyPhen-2) suggests that this variant is likely to be tolerated. In summary, the available evidence is currently insufficient to determine the role of this variant in disease. Therefore, it has been classified as a Variant of Uncertain Significance.

Ambry Genetics
Classification: Benign for Cardiovascular phenotype. Last evaluated: 2024-12-02. Review status: criteria provided, single submitter. Criteria: Ambry Variant Classification Scheme 2023. Collection method: clinical testing. Allele origin: germline.